The following is an entry in ClinVar:

NM_000051.4(ATM):c.2262del (p.Gln754fs)

Gene: ATM (ATM serine/threonine kinase; plus strand). Cytogenetic location: 11q22.3.
Variant type: Deletion.
Coding change: c.2262del on transcript NM_000051.4 (MANE Select); coding-DNA position 2262, one base deleted (A; older notation c.2262delA).
Protein change: p.Gln754fs; shifts the reading frame from glutamine 754.
Molecular consequence: frameshift variant.
Genome position (GRCh38, 1-based): chr11:108,257,492, A deleted; the last of 2 consecutive A bases (chr11:108,257,491-108,257,492); deleting either gives the same sequence. VCF-style (leftmost placement, unchanged base first): chr11-108257490-CA-C. GRCh37 (hg19) VCF-style: chr11-108128217-CA-C.
Other names: c.2262del, p.Gln754fs (NM_001351834.2); short protein forms Q754fs.
Identifiers: ClinVar variation 850577 (VCV000850577.9), dbSNP rs2080573967, ClinGen allele CA916080469.

ClinVar aggregate classification (germline): Pathogenic/Likely pathogenic. Review status: criteria provided, multiple submitters, no conflicts (2 of 4 stars). 3 submissions from 3 submitters: Pathogenic (2); Likely pathogenic (1). Last evaluated 2024-10-23.

Conditions:
Familial cancer of breast. Also called: hereditary breast carcinoma; BREAST CANCER, FAMILIAL; Hereditary breast cancer. Identifiers: Orphanet 227535, MedGen C0346153, MONDO:0016419, OMIM 114480. Disease mechanism: loss of function.
Ataxia-telangiectasia syndrome (AT). Also called: Ataxia-telangiectasia, complementation group E; Cerebello-oculocutaneous telangiectasia; Immunodeficiency with ataxia telangiectasia; Ataxia-telangiectasia, complementation group D; AT, COMPLEMENTATION GROUP C; Ataxia-telangiectasia. Identifiers: Orphanet 100, MedGen C0004135, MONDO:0008840, OMIM 208900.

Submissions (3):

Labcorp Genetics (formerly Invitae), Labcorp
Classification: Pathogenic for Ataxia-telangiectasia syndrome. Last evaluated: 2024-10-23. Review status: criteria provided, single submitter. Criteria: Invitae Variant Classification Sherloc (09022015). Collection method: clinical testing. Allele origin: germline.
Comment: This sequence change creates a premature translational stop signal (p.Gln754Hisfs*23) in the ATM gene. It is expected to result in an absent or disrupted protein product. Loss-of-function variants in ATM are known to be pathogenic (PMID: 23807571, 25614872). This variant is not present in population databases (gnomAD no frequency). This variant has not been reported in the literature in individuals affected with ATM-related conditions. ClinVar contains an entry for this variant (Variation ID: 850577). For these reasons, this variant has been classified as Pathogenic.

Baylor Genetics
Classification: Likely pathogenic for Familial cancer of breast. Last evaluated: 2024-03-26. Review status: criteria provided, single submitter. Criteria: ACMG Guidelines, 2015. Collection method: clinical testing. Allele origin: unknown.

Myriad Genetics, Inc.
Classification: Pathogenic for Familial cancer of breast. Last evaluated: 2024-01-17. Review status: criteria provided, single submitter. Criteria: Myriad Autosomal Dominant, Autosomal Recessive and X-Linked Classification Criteria (2023). Collection method: clinical testing. Allele origin: unknown.
Comment: This variant is considered pathogenic. This variant creates a frameshift predicted to result in premature protein truncation.

Literature cited by the submitters: PubMed 23807571 (cited by Labcorp Genetics (formerly Invitae), Labcorp); PubMed 25614872 (cited by Labcorp Genetics (formerly Invitae), Labcorp).